The following continues an entry in ClinVar:

NM_000465.4(BARD1):c.1921C>T (p.Arg641Ter)

Gene: BARD1. ClinVar aggregate classification (germline): Pathogenic/Likely pathogenic. Pathogenic (18); Likely pathogenic (1).

Submissions 13 to 22 of 22:

Sema4
Classification: Pathogenic for Hereditary cancer-predisposing syndrome. Last evaluated: 2021-10-29. Review status: criteria provided, single submitter. Criteria: Sema4 Curation Guidelines. Collection method: curation. Allele origin: germline.
Comment: The BARD1 c.1921C>T (p.R641X) variant has been reported in heterozygosity in at least 13 individuals with breast and/or ovarian cancer, neuroblastoma, and pancreatic ductal adenocarcinoma (PMID: 23334666, 26010302, 33498765, 32566746, 28174632). It is also reported in 4/60,466 women with breast cancer but not in 53,461 controls (PMID 33471991). This nonsense variant creates a premature stop codon at residue 641 of the BARD1 protein. At this location, this is predicted to cause nonsense-mediated decay and result in an absent protein (loss of function). Loss of function variants in BARD1 are known to be pathogenic (PMID: 20077502). This variant was observed in 3/24966 chromosomes in the African/African American population, according to the Genome Aggregation Database (PMID: 32461654). This variant has been reported in ClinVar (Variation ID: 141702). Based on the current evidence available, this variant is interpreted as pathogenic.

Institute of Medical Genetics and Applied Genomics, University Hospital Tübingen
Classification: Pathogenic. Last evaluated: 2020-10-23. Review status: criteria provided, single submitter. Criteria: ACMG Guidelines, 2015. Collection method: clinical testing. Allele origin: germline. Inheritance: Autosomal dominant inheritance. Affected: yes.

CeGaT Center for Human Genetics Tuebingen
Classification: Pathogenic. Last evaluated: 2020-04-01. Review status: criteria provided, single submitter. Criteria: CeGaT Center For Human Genetics Tuebingen Variant Classification Criteria Version 2. Collection method: clinical testing. Allele origin: germline. Affected: yes. Observed: 2 variant alleles.

Women's Health and Genetics/Laboratory Corporation of America, LabCorp
Classification: Pathogenic for Hereditary breast and ovarian cancer syndrome. Last evaluated: 2019-10-28. Review status: criteria provided, single submitter. Criteria: LabCorp Variant Classification Summary - May 2015. Collection method: clinical testing. Allele origin: germline.
Comment: Variant summary: BARD1 c.1921C>T (p.Arg641X) results in a premature termination codon, predicted to cause a truncation of the encoded protein or absence of the protein due to nonsense mediated decay, which are commonly known mechanisms for disease. Truncations downstream of this position have been classified as pathogenic by our laboratory. The variant allele was found at a frequency of 1.8e-05 in 282680 control chromosomes (gnomAD). c.1921C>T has been reported in the literature in multiple individuals affected with breast- and pancreatic cancer (e.g. DeBrakeleer_2016, Hu_2016, Feliubadalo_2017, Gas_2017). These data indicate that the variant is very likely to be associated with disease. To our knowledge, no experimental evidence demonstrating an impact on protein function has been reported. Five other clinical diagnostic laboratories have submitted clinical-significance assessments for this variant to ClinVar after 2014, and all of them classified the variant as pathogenic. Based on the evidence outlined above, the variant was classified as pathogenic.

Cancer Genomics Group, Japanese Foundation For Cancer Research
Classification: Pathogenic for Hereditary breast and ovarian cancer syndrome. Last evaluated: 2019-05-01. Review status: criteria provided, single submitter. Criteria: ACMG Guidelines, 2015. Collection method: research. Allele origin: germline. Affected: yes.

Genesis Genomics
Classification: Pathogenic for Familial cancer of breast. Review status: criteria provided, single submitter. Criteria: ACMG Guidelines, 2015. Collection method: clinical testing. Allele origin: germline. Affected: yes. Observed: 1 variant allele.

Juno Genomics, Hangzhou Juno Genomics, Inc
Classification: Pathogenic for Familial cancer of breast. Review status: criteria provided, single submitter. Criteria: ACMG Guidelines, 2015. Collection method: clinical testing. Allele origin: germline.
Comment: Absent from controls (or at extremely low frequency if recessive) in Genome Aggregation Database.;Null variant in a gene where loss of function (LOF) is a known mechanism of disease.;The prevalence of the variant in affected individuals is significantly increased compared to the prevalence in controls.

Laboratory for Genotyping Development, RIKEN
Classification: Pathogenic for Gastric cancer. Last evaluated: 2021-07-01. Review status: no assertion criteria provided. Collection method: research. Allele origin: germline. Not counted in ClinVar's aggregate classification.

Lab. Molecular Oncology, VUB, Free University of Brussels
Classification: Pathogenic for Triple-Negative Breast Cancer Finding. Last evaluated: 2015-02-01. Review status: no assertion criteria provided. Collection method: clinical testing. Allele origin: germline. Affected: yes. Not counted in ClinVar's aggregate classification.

Department of Pathology and Laboratory Medicine, Sinai Health System
Classification: Pathogenic for Malignant tumor of breast. Review status: no assertion criteria provided. Collection method: clinical testing. Allele origin: unknown. Affected: yes. Study: The Canadian Open Genetics Repository (COGR). Not counted in ClinVar's aggregate classification.
Comment: The BARD1 p.Arg641* variant was identified in 3 of 712 proband chromosomes (frequency: 0.004) from individuals or families with breast cancer, pancreatic cancer and neuroblastoma (Pugh 2013, Hu 2016, De Brakeleer 2016). The variant was also identified in dbSNP (ID: rs587781948) as "With Pathogenic allele", ClinVar (3x pathogenic: Ambry genetics, Invitae, GeneDx), Clinvitae (3x pathogenic: Ambry genetics, Invitae, GeneDx), databases. The variant was not identified in COSMIC, MutDB, or the Zhejiang Colon Cancer Database. The variant was identified in control databases in 5 of 277022 chromosomes at a frequency of 0.00002 increasing the likelihood that this may be a low frequency benign variant in certain populations of origin (Genome Aggregation Consortium Feb 27, 2017). This mutation is expected to result in either nonsense mediated mRNA decay or, if translated, truncation of the protein product and absence of the last BRCA1 carboxy-terminal (BRCT) domain of the BARD1 protein. Loss of function variants of the BARD1 gene are an established mechanism of disease in breast cancer and is the type of variant expected to cause the disorder. In summary, based on the above information this variant meets our laboratoryâ€šÃ„Ã´s criteria to be classified as pathogenic.

Literature cited by the submitters: PubMed 20077502 (cited by Labcorp Genetics (formerly Invitae), Labcorp and Sema4); PubMed 21344236 (cited by Labcorp Genetics (formerly Invitae), Labcorp); PubMed 23334666 (cited by 5 submitters); PubMed 26010302 (cited by 6 submitters); PubMed 26483394 (cited by 5 submitters); PubMed 28174632 (cited by 6 submitters); PubMed 37762649 (cited by Quest Diagnostics Nichols Institute San Juan Capistrano); PubMed 34326862 (cited by Quest Diagnostics Nichols Institute San Juan Capistrano); PubMed 35892882 (cited by Quest Diagnostics Nichols Institute San Juan Capistrano); PubMed 33498765 (cited by 4 submitters); PubMed 37688579 (cited by Quest Diagnostics Nichols Institute San Juan Capistrano); PubMed 33471991 (cited by 3 submitters); PubMed 32566746 (cited by 4 submitters); PubMed 28724667 (cited by 4 submitters); PubMed 28050010 (cited by 3 submitters); PubMed 32832836 (cited by Quest Diagnostics Nichols Institute San Juan Capistrano); PubMed 27009842 (cited by Ambry Genetics); PubMed 36988593 (cited by Laboratory for Genotyping Development, RIKEN).